The following is an entry in ClinVar:

NM_006420.3(ARFGEF2):c.2639C>T (p.Pro880Leu)

Gene: ARFGEF2 (ARF guanine nucleotide exchange factor 2; plus strand). Cytogenetic location: 20q13.13.
Variant type: single nucleotide variant.
Coding change: c.2639C>T on transcript NM_006420.3 (MANE Select); coding-DNA position 2639, C replaced by T.
Protein change: p.Pro880Leu; replaces proline 880 with leucine.
Molecular consequence: missense variant.
Genome position (GRCh38, 1-based): chr20:48,989,390, C>T. VCF-style: chr20-48989390-C-T. GRCh37 (hg19) VCF-style: chr20-47605927-C-T.
Other names: short protein forms P880L.
Identifiers: ClinVar variation 128428 (VCV000128428.14), dbSNP rs183852730, ClinGen allele CA230892.

ClinVar aggregate classification (germline): Uncertain significance. Review status: criteria provided, multiple submitters, no conflicts (2 of 4 stars). 5 submissions from 5 submitters: Uncertain significance (5). Last evaluated 2026-07-10.

Conditions:
ARFGEF2-related disorder. Also called: ARFGEF2-related condition.
Inborn genetic diseases. Identifiers: MedGen C0950123, MeSH D030342.

Allele frequency attached by ClinVar (database versions not stated): ExAC 0.00002; gnomAD exomes 0.00003; TOPMed 0.00014; 1000 Genomes Project 30x 0.00078; 1000 Genomes Project 0.00080.

Submissions (5):

PreventionGenetics, part of Exact Sciences
Classification: Uncertain significance for ARFGEF2-related condition. Last evaluated: 2026-07-10. Review status: criteria provided, single submitter. Criteria: ACMG Guidelines, 2015. Collection method: clinical testing. Allele origin: germline.
Comment: The ARFGEF2 c.2639C>T variant is predicted to result in the amino acid substitution p.Pro880Leu. To our knowledge, this variant has not been reported in the literature. This variant is reported in 0.017% of alleles in individuals of Latino descent in gnomAD. At this time, the clinical significance of this variant is uncertain due to the absence of conclusive functional and genetic evidence.

Labcorp Genetics (formerly Invitae), Labcorp
Classification: Uncertain significance. Last evaluated: 2025-02-03. Review status: criteria provided, single submitter. Criteria: Invitae Variant Classification Sherloc (09022015). Collection method: clinical testing. Allele origin: germline.
Comment: This sequence change replaces proline, which is neutral and non-polar, with leucine, which is neutral and non-polar, at codon 880 of the ARFGEF2 protein (p.Pro880Leu). This variant is present in population databases (rs183852730, gnomAD 0.02%). This variant has not been reported in the literature in individuals affected with ARFGEF2-related conditions. ClinVar contains an entry for this variant (Variation ID: 128428). An algorithm developed to predict the effect of missense changes on protein structure and function (PolyPhen-2) suggests that this variant¬†is likely to be tolerated. In summary, the available evidence is currently insufficient to determine the role of this variant in disease. Therefore, it has been classified as a Variant of Uncertain Significance.

Ambry Genetics
Classification: Uncertain significance for Inborn genetic diseases. Last evaluated: 2023-12-22. Review status: criteria provided, single submitter. Criteria: Ambry Variant Classification Scheme 2023. Collection method: clinical testing. Allele origin: germline.

GeneDx
Classification: Uncertain significance. Last evaluated: 2020-10-26. Review status: criteria provided, single submitter. Criteria: GeneDx Variant Classification Process June 2021. Collection method: clinical testing. Allele origin: germline. Affected: yes.
Comment: In silico analysis supports that this missense variant has a deleterious effect on protein structure/function; Has not been previously published as pathogenic or benign to our knowledge

Genetic Services Laboratory, University of Chicago
Classification: Uncertain significance. Last evaluated: 2012-07-16. Review status: criteria provided, single submitter. Criteria: ACMG Guidelines, 2007. Collection method: clinical testing. Allele origin: germline. Inheritance: Autosomal recessive inheritance.